The following is an entry in ClinVar:

ClinVar aggregate classification (germline): Uncertain significance. Review status: criteria provided, multiple submitters, no conflicts (2 of 4 stars). 5 submissions from 5 submitters: Uncertain significance (5). Last evaluated 2026-05-22.

Conditions:
Complement component C1s deficiency. Also called: C1s deficiency; Complement 1s deficiency. Identifiers: MedGen C3151078, MONDO:0013419, OMIM 613783.
Ehlers-Danlos syndrome, periodontal type 2. Identifiers: MedGen C4310681, MONDO:0014954, OMIM 617174.

Allele frequency attached by ClinVar (database versions not stated): TOPMed below 0.00001; ExAC 0.00002; gnomAD exomes 0.00001 and 0.00002; gnomAD 0.00001.

Submissions (5):

Women's Health and Genetics/Laboratory Corporation of America, LabCorp
Classification: Uncertain significance. Last evaluated: 2026-05-22. Review status: criteria provided, single submitter. Criteria: LabCorp Variant Classification Summary - May 2015. Collection method: clinical testing. Allele origin: germline.
Comment: Variant summary: C1S c.1139C>T (p.Ser380Phe) results in a non-conservative amino acid change in the encoded protein sequence. Algorithms developed to predict the effect of missense changes on protein structure and function are either unavailable or do not agree on the potential impact of this missense change. The variant allele was found at a frequency of 1.2e-05 in 251422 control chromosomes. The available data on variant occurrences in the general population are insufficient to allow any conclusion about variant significance. To our knowledge, no occurrence of c.1139C>T in individuals affected with C1S-related conditions and no experimental evidence demonstrating its impact on protein function have been reported. ClinVar contains an entry for this variant (Variation ID: 976135). Based on the evidence outlined above, the variant was classified as uncertain significance.

Labcorp Genetics (formerly Invitae), Labcorp
Classification: Uncertain significance. Last evaluated: 2025-12-18. Review status: criteria provided, single submitter. Criteria: Invitae Variant Classification Sherloc (09022015). Collection method: clinical testing. Allele origin: germline.
Comment: This sequence change replaces serine, which is neutral and polar, with phenylalanine, which is neutral and non-polar, at codon 380 of the C1S protein (p.Ser380Phe). This variant is present in population databases (rs782329906, gnomAD 0.003%). This variant has not been reported in the literature in individuals affected with C1S-related conditions. ClinVar contains an entry for this variant (Variation ID: 976135). Invitae Evidence Modeling of protein sequence and biophysical properties (such as structural, functional, and spatial information, amino acid conservation, physicochemical variation, residue mobility, and thermodynamic stability) indicates that this missense variant is expected to disrupt C1S protein function with a positive predictive value of 80%. In summary, the available evidence is currently insufficient to determine the role of this variant in disease. Therefore, it has been classified as a Variant of Uncertain Significance.

Fulgent Genetics
Classification: Uncertain significance for Complement component C1s deficiency; Ehlers-Danlos syndrome, periodontal type 2. Last evaluated: 2024-05-03. Review status: criteria provided, single submitter. Criteria: ACMG Guidelines, 2015. Collection method: clinical testing. Allele origin: germline.

Institute of Human Genetics, University of Leipzig Medical Center
Classification: Uncertain significance for Ehlers-Danlos syndrome, periodontal type 2. Last evaluated: 2018-08-29. Review status: criteria provided, single submitter. Criteria: ACMG Guidelines, 2015. Collection method: clinical testing. Allele origin: germline. Affected: yes. Observed: 2 variant alleles.

Center for Genomics, Ann and Robert H. Lurie Children's Hospital of Chicago
Classification: Uncertain significance for Complement component C1s deficiency; Ehlers-Danlos syndrome, periodontal type 2. Review status: criteria provided, single submitter. Criteria: ACMG Guidelines, 2015. Collection method: clinical testing. Allele origin: germline.
Comment: C1S NM_201442.3 exon 10 p.Ser380Phe (c.1139C>T):This variant has not been reported in the literature but is present in 0.002% (3/113702) of European alleles in the Genome Aggregation Database. This variant is present in ClinVar (Variation ID:976135). Evolutionary conservation suggests that this variant may not impact the protein; computational predictive tools for this variant are unclear. In summary, data on this variant is insufficient for disease classification. Therefore, the clinical significance of this variant is uncertain.

NM_001734.5(C1S):c.1139C>T (p.Ser380Phe)

Gene: C1S (complement C1s; plus strand). Cytogenetic location: 12p13.31.
Variant type: single nucleotide variant.
Coding change: c.1139C>T on transcript NM_001734.5 (MANE Select); coding-DNA position 1139, C replaced by T.
Protein change: p.Ser380Phe; replaces serine 380 with phenylalanine.
Molecular consequence: missense variant.
Genome position (GRCh38, 1-based): chr12:7,067,715, C>T. VCF-style: chr12-7067715-C-T. GRCh37 (hg19) VCF-style: chr12-7175019-C-T.
Other names: c.638C>T, p.Ser213Phe (NM_001346850.2); c.1139C>T, p.Ser380Phe (NM_201442.4); short protein forms S213F, S380F.
Identifiers: ClinVar variation 976135 (VCV000976135.12), dbSNP rs782329906, ClinGen allele CA6423685.
Genomic context (GRCh38, chr12:7,067,715, plus strand): 5'-GCATTCCTGAATCCATTGAGAATGGTAAAGTTGAAGACCCAGAGAGCACTTTGTTTGGTT[C>T]TGTCATCCGCTACACTTGTGAGGAGCCATATTACTACATGGAAAATGGAGGAGGTGGTAG-3'
Protein context (NP_001725.1, residues 370-390): VEDPESTLFG[Ser380Phe]VIRYTCEEPY